The following is an entry in ClinVar:

ClinVar aggregate classification (germline): Likely pathogenic (1 of 4 stars; one submission).

Conditions:
Hereditary cancer-predisposing syndrome. Also called: Hereditary Cancer Syndrome; Neoplastic Syndromes, Hereditary; Tumor predisposition; Hereditary neoplastic syndrome. Identifiers: Orphanet 140162, MedGen C0027672, MeSH D009386, MONDO:0015356.

Submission:

Ambry Genetics
Classification: Likely pathogenic for Hereditary cancer-predisposing syndrome. Last evaluated: 2018-01-31. Review status: criteria provided, single submitter. Criteria: Ambry Variant Classification Scheme 2023. Collection method: clinical testing. Allele origin: germline.
Comment: The c.2829+5G>C intronic variant results from a G to C substitution 5 nucleotides after coding exon 17 in the RAD50 gene. This nucleotide position is highly conserved in available vertebrate species. This alteration is predicted by BDGP to abolish the native splice donor site and is predicted to weaken (but not abolish) the efficiency of the native splice donor site by ESEfinder. RNA studies have demonstrated this alteration results in abnormal splicing in the sample tested (Ambry internal data). Based on the majority of available evidence to date, this variant is likely to be pathogenic.

NM_005732.4(RAD50):c.2829+5G>C

Gene: RAD50 (RAD50 double strand break repair protein; plus strand). Cytogenetic location: 5q31.1.
Variant type: single nucleotide variant.
Coding change: c.2829+5G>C on transcript NM_005732.4 (MANE Select); 5 bases into the intron after coding-DNA position 2829, G replaced by C.
Molecular consequence: intron variant.
Genome position (GRCh38, 1-based): chr5:132,608,730, G>C. VCF-style: chr5-132608730-G-C. GRCh37 (hg19) VCF-style: chr5-131944422-G-C.
Identifiers: ClinVar variation 480427 (VCV000480427.5), dbSNP rs1446519890, ClinGen allele CA658657527.